The following is an entry in ClinVar:

NM_022166.4(XYLT1):c.2545C>T (p.Pro849Ser)

Gene: XYLT1 (xylosyltransferase 1; minus strand). Cytogenetic location: 16p12.3.
Variant type: single nucleotide variant.
Coding change: c.2545C>T on transcript NM_022166.4 (MANE Select); coding-DNA position 2545, C replaced by T.
Protein change: p.Pro849Ser; replaces proline 849 with serine.
Molecular consequence: missense variant.
Genome position (GRCh38, 1-based): chr16:17,117,658, G>A on the plus strand (C>T on the coding strand, the complement: XYLT1 is on the minus strand). VCF-style: chr16-17117658-G-A. GRCh37 (hg19) VCF-style: chr16-17211515-G-A.
Other names: short protein forms P849S.
Identifiers: ClinVar variation 2181044 (VCV002181044.1), dbSNP rs1567279261, ClinGen allele CA395218163.
Genomic context (GRCh38, chr16:17,117,658, plus strand): 5'-TCCCCAGGGAAGGAGTATTTCTCCCACATAGACACTGGGAGTACTTACCAGGTTTGATGG[G>A]CTGCCTGTTCGAGAAGGTCAGAGGCGCAACGAGGAATTTGGTCTCTGCAACTGGCACCCA-3'
Protein context (NP_071449.1, residues 839-859): VAPLTFSNRQ[Pro849Ser]IKPEEALKLH

ClinVar aggregate classification (germline): Uncertain significance (1 of 4 stars; one submission).

Conditions:
Desbuquois dysplasia 1 (DBQD1). Also called: MICROMELIC DWARFISM WITH VERTEBRAL AND METAPHYSEAL ABNORMALITIES AND ADVANCED CARPOTARSAL OSSIFICATION; DESBUQUOIS DYSPLASIA 1, KIM VARIANT. Identifiers: Orphanet 1425, MedGen C4012146, MONDO:0009629, OMIM 251450.

Allele frequency attached by ClinVar (database versions not stated): TOPMed below 0.00001; gnomAD 0.00001.
gnomAD v4.1: 8 of 1,611,636 alleles (0.0005%); highest among the groups gnomAD compares: Non-Finnish European, 0.00068%; no homozygotes.

Submission:

Labcorp Genetics (formerly Invitae), Labcorp
Classification: Uncertain significance for Desbuquois dysplasia 1. Last evaluated: 2022-03-13. Review status: criteria provided, single submitter. Criteria: Invitae Variant Classification Sherloc (09022015). Collection method: clinical testing. Allele origin: germline.
Comment: This sequence change replaces proline, which is neutral and non-polar, with serine, which is neutral and polar, at codon 849 of the XYLT1 protein (p.Pro849Ser). This variant is not present in population databases (gnomAD no frequency). This variant has not been reported in the literature in individuals affected with XYLT1-related conditions. Algorithms developed to predict the effect of missense changes on protein structure and function are either unavailable or do not agree on the potential impact of this missense change (SIFT: "Deleterious"; PolyPhen-2: "Benign"; Align-GVGD: "Class C0"). In summary, the available evidence is currently insufficient to determine the role of this variant in disease. Therefore, it has been classified as a Variant of Uncertain Significance.